The following is an entry in ClinVar:

NM_001242896.3(DEPDC5):c.331C>T (p.Arg111Cys)

Gene: DEPDC5 (DEP domain containing 5, GATOR1 subcomplex subunit; plus strand). Cytogenetic location: 22q12.2.
Variant type: single nucleotide variant.
Coding change: c.331C>T on transcript NM_001242896.3 (MANE Select); coding-DNA position 331, C replaced by T.
Protein change: p.Arg111Cys; replaces arginine 111 with cysteine.
Molecular consequence: missense variant. On other transcripts: non-coding transcript variant (5), intron variant (2).
Genome position (GRCh38, 1-based): chr22:31,766,636, C>T. VCF-style: chr22-31766636-C-T. GRCh37 (hg19) VCF-style: chr22-32162622-C-T.
Other names: c.331C>T, p.Arg111Cys (NM_001007188.4, NM_001136029.4, NM_001242897.2 and 7 more transcripts); c.279+1576C>T (NM_001369902.1, NM_001369901.1); short protein forms R111C.
Identifiers: ClinVar variation 3730333 (VCV003730333.4).
Genomic context (GRCh38, chr22:31,766,636, plus strand): 5'-TCCTTTTAGGATGTGACCCTTGACCTAGTGGAATTAACTTTTAAGGATCAGTATATTGGC[C>T]GTGGGGATATGTGGCGACTAAAGAAAAGTTTGGTAAGATGTGATTTTTTTTGAAAGTCTG-3'
Protein context (NP_001229825.1, residues 101-121): ELTFKDQYIG[Arg111Cys]GDMWRLKKSL

ClinVar aggregate classification (germline): Uncertain significance. Review status: criteria provided, multiple submitters, no conflicts (2 of 4 stars). 2 submissions from 2 submitters: Uncertain significance (2). Last evaluated 2026-01-26.

Conditions:
Familial focal epilepsy with variable foci (FPEVF). Identifiers: Orphanet 98820, MedGen C1858477, MONDO:0020310.

gnomAD v4.1: 6 of 1,613,558 alleles (0.00037%); highest among the groups gnomAD compares: South Asian, 0.0011%; no homozygotes.

Submissions (2):

Dasa
Classification: Uncertain significance. Last evaluated: 2026-01-26. Review status: criteria provided, single submitter. Criteria: DASA Assertion Criteria. Collection method: clinical testing. Allele origin: germline.
Comment: NM_001242896.3(DEPDC5):c.331C>T (p.Arg111Cys) is a missense variant that results in the substitution of arginine with cysteine. This variant is rare in population databases. Computational prediction algorithms are consistent with a deleterious effect. The currently available literature and clinical evidence are not sufficient to establish a definitive association between this variant and the reported condition. Therefore, this variant is classified as a variant of uncertain significance.

Labcorp Genetics (formerly Invitae), Labcorp
Classification: Uncertain significance for Familial focal epilepsy with variable foci. Last evaluated: 2024-02-22. Review status: criteria provided, single submitter. Criteria: Invitae Variant Classification Sherloc (09022015). Collection method: clinical testing. Allele origin: germline.
Comment: This sequence change replaces arginine, which is basic and polar, with cysteine, which is neutral and slightly polar, at codon 111 of the DEPDC5 protein (p.Arg111Cys). This variant is present in population databases (no rsID available, gnomAD 0.002%). This variant has not been reported in the literature in individuals affected with DEPDC5-related conditions. Experimental studies and prediction algorithms are not available or were not evaluated, and the functional significance of this variant is currently unknown. In summary, the available evidence is currently insufficient to determine the role of this variant in disease. Therefore, it has been classified as a Variant of Uncertain Significance.